The following is an entry in ClinVar:

NM_005739.4(RASGRP1):c.1727G>A (p.Gly576Glu)

Gene: RASGRP1 (RAS guanyl releasing protein 1; minus strand). Cytogenetic location: 15q14.
Variant type: single nucleotide variant.
Coding change: c.1727G>A on transcript NM_005739.4 (MANE Select); coding-DNA position 1727, G replaced by A.
Protein change: p.Gly576Glu; replaces glycine 576 with glutamic acid.
Molecular consequence: missense variant.
Genome position (GRCh38, 1-based): chr15:38,498,940, C>T on the plus strand (G>A on the coding strand, the complement: RASGRP1 is on the minus strand). VCF-style: chr15-38498940-C-T. GRCh37 (hg19) VCF-style: chr15-38791141-C-T.
Other names: c.1622G>A, p.Gly541Glu (NM_001128602.2, NM_001306086.2); short protein forms G541E, G576E.
Identifiers: ClinVar variation 2200691 (VCV002200691.4), dbSNP rs2542857290, ClinGen allele CA391663031.

ClinVar aggregate classification (germline): Uncertain significance (1 of 4 stars; one submission).

Submission:

Labcorp Genetics (formerly Invitae), Labcorp
Classification: Uncertain significance. Last evaluated: 2024-10-26. Review status: criteria provided, single submitter. Criteria: Invitae Variant Classification Sherloc (09022015). Collection method: clinical testing. Allele origin: germline.
Comment: This sequence change replaces glycine, which is neutral and non-polar, with glutamic acid, which is acidic and polar, at codon 576 of the RASGRP1 protein (p.Gly576Glu). This variant is not present in population databases (gnomAD no frequency). This variant has not been reported in the literature in individuals affected with RASGRP1-related conditions. ClinVar contains an entry for this variant (Variation ID: 2200691). Invitae Evidence Modeling of protein sequence and biophysical properties (such as structural, functional, and spatial information, amino acid conservation, physicochemical variation, residue mobility, and thermodynamic stability) has been performed for this missense variant. However, the output from this modeling did not meet the statistical confidence thresholds required to predict the impact of this variant on RASGRP1 protein function. In summary, the available evidence is currently insufficient to determine the role of this variant in disease. Therefore, it has been classified as a Variant of Uncertain Significance.